The following is an entry in ClinVar:

ClinVar aggregate classification (germline): Conflicting classifications of pathogenicity. Review status: criteria provided, conflicting classifications (1 of 4 stars). 2 submissions from 2 submitters: Uncertain significance (1); Benign (1). Last evaluated 2025-04-24.

Conditions:
Cardiovascular phenotype. Identifiers: MedGen CN230736.
Long QT syndrome (LQTS). Identifiers: MedGen C0023976, MeSH D008133, MONDO:0002442. Disease mechanism: loss of function. Inheritance: Various modes of inheritance.

Allele frequency attached by ClinVar (database versions not stated): gnomAD exomes below 0.00001; TOPMed below 0.00001; gnomAD 0.00001; ExAC 0.00002.
gnomAD v4.1: 6 of 1,610,502 alleles (0.00037%); highest among the groups gnomAD compares: East Asian, 0.013%; no homozygotes.

Submissions (2):

Ambry Genetics
Classification: Benign for Cardiovascular phenotype. Last evaluated: 2025-04-24. Review status: criteria provided, single submitter. Criteria: Ambry Variant Classification Scheme 2023. Collection method: clinical testing. Allele origin: germline.

Labcorp Genetics (formerly Invitae), Labcorp
Classification: Uncertain significance for Long QT syndrome. Last evaluated: 2022-12-02. Review status: criteria provided, single submitter. Criteria: Invitae Variant Classification Sherloc (09022015). Collection method: clinical testing. Allele origin: germline.
Comment: Algorithms developed to predict the effect of missense changes on protein structure and function are either unavailable or do not agree on the potential impact of this missense change (SIFT: "Deleterious"; PolyPhen-2: "Probably Damaging"; Align-GVGD: "Class C0"). This variant has not been reported in the literature in individuals affected with AKAP9-related conditions. This variant is present in population databases (rs745858523, gnomAD 0.03%). This sequence change replaces glutamic acid, which is acidic and polar, with lysine, which is basic and polar, at codon 788 of the AKAP9 protein (p.Glu788Lys). In summary, the available evidence is currently insufficient to determine the role of this variant in disease. Therefore, it has been classified as a Variant of Uncertain Significance.

NM_005751.5(AKAP9):c.2362G>A (p.Glu788Lys)

Gene: AKAP9 (A-kinase anchoring protein 9; plus strand). Cytogenetic location: 7q21.2.
Variant type: single nucleotide variant.
Coding change: c.2362G>A on transcript NM_005751.5 (MANE Select); coding-DNA position 2362, G replaced by A.
Protein change: p.Glu788Lys; replaces glutamic acid 788 with lysine.
Molecular consequence: missense variant.
Genome position (GRCh38, 1-based): chr7:92,002,279, G>A. VCF-style: chr7-92002279-G-A. GRCh37 (hg19) VCF-style: chr7-91631593-G-A.
Other names: c.2362G>A, p.Glu788Lys (NM_147185.3); short protein forms E788K.
Identifiers: ClinVar variation 1790180 (VCV001790180.6), dbSNP rs745858523, ClinGen allele CA4336122.